The following is an entry in ClinVar:

ClinVar aggregate classification (germline): Uncertain significance (1 of 4 stars; one submission).

Conditions:
Epilepsy, childhood absence, susceptibility to, 1. Also called: Epilepsy, childhood absence 1. Identifiers: Orphanet 64280, MedGen C1838604, MONDO:0020759, OMIM 600131.
Epilepsy, childhood absence, susceptibility to, 5. Identifiers: Orphanet 64280, MedGen C2677087, MONDO:0012843, OMIM 612269.

Submission:

Labcorp Genetics (formerly Invitae), Labcorp
Classification: Uncertain significance for Epilepsy, childhood absence 5; Epilepsy, childhood absence 1. Last evaluated: 2019-06-10. Review status: criteria provided, single submitter. Criteria: Invitae Variant Classification Sherloc (09022015). Collection method: clinical testing. Allele origin: germline.
Comment: This variant results in a copy number gain of the genomic region encompassing the full coding sequence of the GABRB3 gene. The boundaries of this event are unknown as they extend beyond the assayed region for this gene and therefore may encompass additional genes. As the precise location of this event is unknown, it may be in tandem or it may be located elsewhere in the genome. While a whole-gene copy number gain of just the GABRB3 gene alone has not been reported in the literature, much larger copy number variants encompassing more than 5 Mb of DNA (15q11-q13) and multiple adjacent genes have been reported in individuals with a wide spectrum of neuropsychiatric disorders, including autism spectrum disorders, developmental delay, learning difficulties, schizophrenia, and seizures (PMID: 26068938, 23495136, 2828157). In summary, the available evidence is currently insufficient to determine the role of this variant in disease. Therefore, it has been classified as a Variant of Uncertain Significance.

Literature cited by the submitters: PubMed 26068938; PubMed 23495136; PubMed 2828157.

NC_000015.9:g.(?_26792920)_(27018162_?)dup

Genes: GABRB3 (gamma-aminobutyric acid type A receptor subunit beta3; minus strand), LOC126862078 (BRD4-independent group 4 enhancer GRCh37_chr15:26860170-26861369; plus strand). Cytogenetic location: 15q12.
Variant type: Duplication.
Identifiers: ClinVar variation 583530 (VCV000583530.2).